The following is an entry in ClinVar:

NM_000435.3(NOTCH3):c.522C>G (p.Cys174Trp)

Gene: NOTCH3 (notch receptor 3; minus strand). Cytogenetic location: 19p13.12.
Variant type: single nucleotide variant.
Coding change: c.522C>G on transcript NM_000435.3 (MANE Select); coding-DNA position 522, C replaced by G.
Protein change: p.Cys174Trp; replaces cysteine 174 with tryptophan.
Molecular consequence: missense variant.
Genome position (GRCh38, 1-based): chr19:15,192,117, G>C on the plus strand (C>G on the coding strand, the complement: NOTCH3 is on the minus strand). VCF-style: chr19-15192117-G-C. GRCh37 (hg19) VCF-style: chr19-15302928-G-C.
Other names: short protein forms C174W.
Identifiers: ClinVar variation 3571546 (VCV003571546.1).

ClinVar aggregate classification (germline): Likely pathogenic (1 of 4 stars; one submission).

Submission:

Athena Diagnostics
Classification: Likely pathogenic. Last evaluated: 2024-04-19. Review status: criteria provided, single submitter. Criteria: Athena Diagnostics Criteria. Collection method: clinical testing. Allele origin: unknown.
Comment: This variant has not been reported in large, multi-ethnic general populations. This variant alters a critical location within the protein, and is expected to severely affect function and cause disease. Greater than 90% of NOTCH3 pathogenic variants associated with CADASIL involve the gain or loss of a cysteine residue within the epidermal growth factor (EGF)-like repeat domain (PMID: 32457593, 20301673).